The following is an entry in ClinVar:

NM_000484.4(APP):c.819CAC[6] (p.Thr280del)

Gene: APP (amyloid beta precursor protein; minus strand). Cytogenetic location: 21q21.3.
Variant type: Microsatellite.
Coding change: c.819CAC[6] on transcript NM_000484.4 (MANE Select); six copies in a row of the 3-base unit CAC starting at c.819; the reference has seven copies in a row; one copy, 3 bases deleted.
Protein change: p.Thr280del; deletes threonine 280.
Molecular consequence: inframe deletion.
Genome position (GRCh38, 1-based): chr21:26,021,866-26,021,868, GTG deleted on the plus strand (CAC on the coding strand, the reverse complement: APP is on the minus strand); deleting any 3 consecutive bases within chr21:26,021,866-26,021,887 gives the same sequence; the position shown is the placement nearest the transcript's 3' end. VCF-style (leftmost placement, unchanged base first): chr21-26021865-TGTG-T. GRCh37 (hg19) VCF-style: chr21-27394181-TGTG-T.
Other names: c.804CAC[6], p.Thr275del (NM_001136016.3); c.651CAC[6], p.Thr224del (NM_001136129.3, NM_001136130.3); c.714CAC[6], p.Thr245del (NM_001136131.3); c.819CAC[6], p.Thr280del (NM_001204301.2, NM_001204302.2, NM_001204303.2 and 3 more transcripts); c.837_839delCAC (NM_000484.3); short protein forms T224del, T245del, T275del, T280del.
Identifiers: ClinVar variation 2684335 (VCV002684335.2), dbSNP rs527890624, ClinGen allele CA9987550.

ClinVar aggregate classification (germline): Uncertain significance. Review status: criteria provided, single submitter (1 of 4 stars). 2 submissions from 2 submitters: Uncertain significance (1). 1 of the submissions does not count toward it. Last evaluated 2023-03-13.

Conditions:
APP-related disorder. Also called: APP-related condition.

Submissions (2):

Athena Diagnostics
Classification: Uncertain significance. Last evaluated: 2023-03-13. Review status: criteria provided, single submitter. Criteria: Athena Diagnostics Criteria. Collection method: clinical testing. Allele origin: unknown.
Comment: Available data are insufficient to determine the clinical significance of the variant at this time. The frequency of this variant in the general population is uninformative in assessment of its pathogenicity.

PreventionGenetics, part of Exact Sciences
Classification: Likely benign for APP-related condition. Last evaluated: 2024-07-02. Review status: no assertion criteria provided. Collection method: clinical testing. Allele origin: germline. Not counted in ClinVar's aggregate classification.
Comment: This variant is classified as likely benign based on ACMG/AMP sequence variant interpretation guidelines (Richards et al. 2015 PMID: 25741868, with internal and published modifications).

Literature cited by the submitters: PubMed 32345996 (cited by Athena Diagnostics).